The following is an entry in ClinVar:

NM_001384140.1(PCDH15):c.2604T>A (p.His868Gln)

Gene: PCDH15 (protocadherin related 15; minus strand). Cytogenetic location: 10q21.1.
Variant type: single nucleotide variant.
Coding change: c.2604T>A on transcript NM_001384140.1 (MANE Select); coding-DNA position 2604, T replaced by A.
Protein change: p.His868Gln; replaces histidine 868 with glutamine.
Molecular consequence: missense variant.
Genome position (GRCh38, 1-based): chr10:54,020,339, A>T on the plus strand (T>A on the coding strand, the complement: PCDH15 is on the minus strand). VCF-style: chr10-54020339-A-T. GRCh37 (hg19) VCF-style: chr10-55780099-A-T.
Other names: c.2619T>A, p.His873Gln (NM_001142763.2, NM_001142771.2); c.2604T>A, p.His868Gln (NM_001142764.2, NM_001142766.2, NM_001142770.3 and 5 more transcripts); c.2391T>A, p.His797Gln (NM_001142765.2); c.2493T>A, p.His831Gln (NM_001142767.2); c.2538T>A, p.His846Gln (NM_001142768.2, NM_001142773.2, NM_001354404.2); c.2640T>A, p.His880Gln (NM_001142769.4); c.2625T>A, p.His875Gln (NM_001354411.2); short protein forms H868Q, H875Q, H797Q, H831Q, H846Q, H880Q, H873Q.
Identifiers: ClinVar variation 2147928 (VCV002147928.2), dbSNP rs2539168166, ClinGen allele CA376522388.
Genomic context (GRCh38, chr10:54,020,339, plus strand): 5'-TTGGTCTGGAAATGCCTCATAATCTAAACTCCTTAAAAGCGATAGTTCTCCTGTAAATGG[A>T]TGTAGTGCAAAAAAGTGCTTCACTTCTGGGCTTCTTATCCGGTAAGACACATTTGCTCCA-3'
Protein context (NP_001371069.1, residues 858-878): SPEVKHFFAL[His868Gln]PFTGELSLLR

ClinVar aggregate classification (germline): Uncertain significance. Review status: criteria provided, multiple submitters, no conflicts (2 of 4 stars). 2 submissions from 2 submitters: Uncertain significance (2). Last evaluated 2024-02-27.

Submissions (2):

Blueprint Genetics
Classification: Uncertain significance. Last evaluated: 2024-02-27. Review status: criteria provided, single submitter. Criteria: ACMG Guidelines, 2015. Collection method: clinical testing. Allele origin: germline.

Labcorp Genetics (formerly Invitae), Labcorp
Classification: Uncertain significance. Last evaluated: 2021-03-17. Review status: criteria provided, single submitter. Criteria: Invitae Variant Classification Sherloc (09022015). Collection method: clinical testing. Allele origin: germline.
Comment: This sequence change replaces histidine with glutamine at codon 868 of the PCDH15 protein (p.His868Gln). The histidine residue is moderately conserved and there is a small physicochemical difference between histidine and glutamine. This variant is not present in population databases (ExAC no frequency). This variant has not been reported in the literature in individuals with PCDH15-related conditions. Algorithms developed to predict the effect of missense changes on protein structure and function are either unavailable or do not agree on the potential impact of this missense change (SIFT: "Tolerated"; PolyPhen-2: "Possibly Damaging"; Align-GVGD: "Class C0"). In summary, the available evidence is currently insufficient to determine the role of this variant in disease. Therefore, it has been classified as a Variant of Uncertain Significance.